The following is an entry in ClinVar:

NM_003742.4(ABCB11):c.1907A>G (p.Glu636Gly)

Gene: ABCB11 (ATP binding cassette subfamily B member 11; minus strand). Cytogenetic location: 2q31.1.
Variant type: single nucleotide variant.
Coding change: c.1907A>G on transcript NM_003742.4 (MANE Select); coding-DNA position 1907, A replaced by G.
Protein change: p.Glu636Gly; replaces glutamic acid 636 with glycine.
Molecular consequence: missense variant.
Genome position (GRCh38, 1-based): chr2:168,969,454, T>C on the plus strand (A>G on the coding strand, the complement: ABCB11 is on the minus strand). VCF-style: chr2-168969454-T-C. GRCh37 (hg19) VCF-style: chr2-169825964-T-C.
Other names: NM_003742.4(ABCB11):c.1907A>G; p.Glu636Gly; short protein forms E636G.
Identifiers: ClinVar variation 1510983 (VCV001510983.37), dbSNP rs199671371, ClinGen allele CA1951433.

ClinVar aggregate classification (germline): Likely pathogenic. Review status: criteria provided, multiple submitters, no conflicts (2 of 4 stars). 6 submissions from 6 submitters: Likely pathogenic (6). Last evaluated 2026-04-14.

Conditions:
Familial intrahepatic cholestasis. Identifiers: Orphanet 284385, MedGen CN296401, MONDO:0017290.
Benign recurrent intrahepatic cholestasis type 2 (BRIC2). Also called: Recurrent familial intrahepatic cholestasis 2. Identifiers: Orphanet 65682, Orphanet 99961, MedGen C2608083, MONDO:0011559, OMIM 605479.
Progressive familial intrahepatic cholestasis type 2. Identifiers: Orphanet 79304, MedGen C3489789, MONDO:0011156, OMIM 601847.

Allele frequency attached by ClinVar (database versions not stated): gnomAD exomes below 0.00001.

Submissions (6):

Genomenon, Inc
Classification: Likely pathogenic for Familial intrahepatic cholestasis. Last evaluated: 2026-04-14. Review status: criteria provided, single submitter. Criteria: Genomenon Sequence Variant Interpretation Standards - Updated. Collection method: curation. Allele origin: germline. Affected: yes.
Comment: ABCB11 p.Glu636Gly (c.1907A>G) is a missense variant that changes the amino acid at residue 636 from Glutamic acid to Glycine. This variant has been observed in at least one proband with an ABCB11-related disorder (PMID:41165782;37762919;37168916;33915153;31091858;12717091). It has been observed in trans with a pathogenic or likely pathogenic variant (PMID:12717091). It is absent or not present at a significant frequency in gnomAD. In silico models predict that this variant is possibly or probably damaging. In conclusion, we classify ABCB11 p.Glu636Gly (c.1907A>G) as a likely pathogenic variant.

Natera, Inc.
Classification: Likely pathogenic for Progressive familial intrahepatic cholestasis type 2. Last evaluated: 2025-02-18. Review status: criteria provided, single submitter. Criteria: Natera Variant Classification Schema (03/2026). Collection method: clinical testing. Allele origin: germline.
Comment: The c.1907A>G variant in ABCB11 is a missense variant predicted to cause substitution of glutamic acid to glycine at amino acid 636. This variant is rare in the general population with a frequency below the threshold expected for the associated phenotype(s). This variant has been observed in one or more individuals affected with the associated recessive disease, as either homozygous or compound heterozygous with a second variant (PMID: 37762919, 37168916, 33915153, 12717091). Computational prediction algorithms indicate this variant is likely to affect gene or protein function. Given the available evidence, this variant is classified as Likely Pathogenic.

Broad Center for Mendelian Genomics, Broad Institute of MIT and Harvard
Classification: Likely pathogenic for Progressive familial intrahepatic cholestasis type 2. Last evaluated: 2025-01-24. Review status: criteria provided, single submitter. Criteria: ACMG Guidelines, 2015. Collection method: curation. Allele origin: germline. Inheritance: Autosomal recessive inheritance.
Comment: The p.Glu636Gly variant in ABCB11 has been reported in four individuals with BSEP deficiency (PMID: 12717091, 31091858, 33915153, 37168916), and has been identified in 0.002% (1/44698) of East Asian chromosomes by the Genome Aggregation Database (gnomAD; dbSNP rs199671371). Although this variant has been seen in the general population in a heterozygous state, its frequency is low enough to be consistent with a recessive carrier frequency. This variant has also been reported in ClinVar (Variation ID: 1510983) and has been interpreted as likely pathogenic by Invitae. Of the four affected individuals, two were compound heterozygotes that carried a reported pathogenic or likely pathogenic variant in trans or with unknown phase and one was a homozygote, which increases the likelihood that the p.Glu636Gly variant is pathogenic (Variation ID: 6589, 500467; PMID: 12717091, 33915153, 37168916). Computational prediction tools and conservation analyses suggest that this variant may impact the protein, though this information is not predictive enough to determine pathogenicity. In summary, although additional studies are required to fully establish its clinical significance, this variant is likely pathogenic for autosomal recessive BSEP deficiency. ACMG/AMP Criteria applied: PM3_strong, PP3_moderate, PM2_supporting (Richards 2015).

Labcorp Genetics (formerly Invitae), Labcorp
Classification: Likely pathogenic. Last evaluated: 2023-12-30. Review status: criteria provided, single submitter. Criteria: Invitae Variant Classification Sherloc (09022015). Collection method: clinical testing. Allele origin: germline.
Comment: This sequence change replaces glutamic acid, which is acidic and polar, with glycine, which is neutral and non-polar, at codon 636 of the ABCB11 protein (p.Glu636Gly). This variant is present in population databases (rs199671371, gnomAD 0.006%). This missense change has been observed in individual(s) with clinical features of progressive familial intrahepatic cholestasis (PMID: 12717091, 31091858, 33915153). In at least one individual the data is consistent with being in trans (on the opposite chromosome) from a pathogenic variant. ClinVar contains an entry for this variant (Variation ID: 1510983). Advanced modeling of protein sequence and biophysical properties (such as structural, functional, and spatial information, amino acid conservation, physicochemical variation, residue mobility, and thermodynamic stability) has been performed at Invitae for this missense variant, however the output from this modeling did not meet the statistical confidence thresholds required to predict the impact of this variant on ABCB11 protein function. This variant disrupts the p.Glu636 amino acid residue in ABCB11. Other variant(s) that disrupt this residue have been determined to be pathogenic (PMID: 34942279). This suggests that this residue is clinically significant, and that variants that disrupt this residue are likely to be disease-causing. In summary, the currently available evidence indicates that the variant is pathogenic, but additional data are needed to prove that conclusively. Therefore, this variant has been classified as Likely Pathogenic.

CeGaT Center for Human Genetics Tuebingen
Classification: Likely pathogenic. Last evaluated: 2023-07-01. Review status: criteria provided, single submitter. Criteria: CeGaT Center For Human Genetics Tuebingen Variant Classification Criteria Version 2. Collection method: clinical testing. Allele origin: germline. Affected: yes. Observed: 1 variant allele.
Comment: ABCB11: PM2, PM3, PM5

Baylor Genetics
Classification: Likely pathogenic for Benign recurrent intrahepatic cholestasis type 2. Last evaluated: 2023-05-25. Review status: criteria provided, single submitter. Criteria: ACMG Guidelines, 2015. Collection method: clinical testing. Allele origin: unknown.

Literature cited by the submitters: PubMed 41165782 (cited by Genomenon, Inc); PubMed 37762919 (cited by Genomenon, Inc and Natera, Inc.); PubMed 37168916 (cited by Genomenon, Inc and Natera, Inc.); PubMed 33915153 (cited by 3 submitters); PubMed 31091858 (cited by Genomenon, Inc and Labcorp Genetics (formerly Invitae), Labcorp); PubMed 12717091 (cited by 3 submitters); PubMed 34942279 (cited by Labcorp Genetics (formerly Invitae), Labcorp).